The following is an entry in ClinVar:

ClinVar aggregate classification (germline): Uncertain significance (1 of 4 stars; one submission).

Conditions:
Neurofibromatosis, type 1 (NF1). Also called: Neurofibromatosis, type I; VON RECKLINGHAUSEN DISEASE; NEUROFIBROMATOSIS, TYPE I, SOMATIC; Peripheral type neurofibromatosis. Identifiers: Orphanet 636, MedGen C0027831, MONDO:0018975, OMIM 162200. Disease mechanism: loss of function.

Submission:

Labcorp Genetics (formerly Invitae), Labcorp
Classification: Uncertain significance for Neurofibromatosis, type 1. Last evaluated: 2025-01-22. Review status: criteria provided, single submitter. Criteria: Invitae Variant Classification Sherloc (09022015). Collection method: clinical testing. Allele origin: germline.
Comment: This sequence change replaces aspartic acid, which is acidic and polar, with asparagine, which is neutral and polar, at codon 100 of the NF1 protein (p.Asp100Asn). This variant is not present in population databases (gnomAD no frequency). This variant has not been reported in the literature in individuals affected with NF1-related conditions. ClinVar contains an entry for this variant (Variation ID: 2842776). Invitae Evidence Modeling of protein sequence and biophysical properties (such as structural, functional, and spatial information, amino acid conservation, physicochemical variation, residue mobility, and thermodynamic stability) indicates that this missense variant is expected to disrupt NF1 protein function with a positive predictive value of 95%. In summary, the available evidence is currently insufficient to determine the role of this variant in disease. Therefore, it has been classified as a Variant of Uncertain Significance.

NM_001042492.3(NF1):c.298G>A (p.Asp100Asn)

Gene: NF1 (neurofibromin 1; plus strand). Cytogenetic location: 17q11.2.
Variant type: single nucleotide variant.
Coding change: c.298G>A on transcript NM_001042492.3 (MANE Select); coding-DNA position 298, G replaced by A.
Protein change: p.Asp100Asn; replaces aspartic acid 100 with asparagine.
Molecular consequence: missense variant.
Genome position (GRCh38, 1-based): chr17:31,163,195, G>A. VCF-style: chr17-31163195-G-A. GRCh37 (hg19) VCF-style: chr17-29490213-G-A.
Other names: c.298G>A, p.Asp100Asn (NM_000267.4, NM_001128147.3); short protein forms D100N.
Identifiers: ClinVar variation 2842776 (VCV002842776.3), dbSNP rs2143670370, ClinGen allele CA398981641.